The following is an entry in ClinVar:

ClinVar aggregate classification (germline): Benign. Review status: criteria provided, multiple submitters, no conflicts (2 of 4 stars). 2 submissions from 2 submitters: Benign (2). Last evaluated 2017-04-27.

Conditions:
Cerebral arteriopathy, autosomal dominant, with subcortical infarcts and leukoencephalopathy, type 1 (CADASIL1). Also called: CADASIL 1; Cerebral arteriopathy with subcortical infarcts and leukoencephalopathy 1; CASIL; DEMENTIA, HEREDITARY MULTIINFARCT TYPE. Identifiers: Orphanet 136, MedGen C4551768, MONDO:0000914, OMIM 125310.

Allele frequency attached by ClinVar (database versions not stated): gnomAD exomes 0.71981; gnomAD 0.68206 and 0.68240; 1000 Genomes Project 30x 0.62586; TOPMed 0.65870; 1000 Genomes Project 0.62340.
gnomAD v4.1: 162,179 of 233,276 alleles (70%); highest among the groups gnomAD compares: Non-Finnish European, 77%; 57,599 homozygotes.

Submissions (2):

Illumina Laboratory Services, Illumina
Classification: Benign for Cerebral arteriopathy, autosomal dominant, with subcortical infarcts and leukoencephalopathy, type 1. Last evaluated: 2017-04-27. Review status: criteria provided, single submitter. Criteria: ICSL Variant Classification Criteria 13 December 2019. Collection method: clinical testing. Allele origin: germline.
Comment: This variant was observed as part of a predisposition screen in an ostensibly healthy population. A literature search was performed for the gene, cDNA change, and amino acid change (where applicable). No publications were found based on this search. Allele frequency data from public databases was too high to be consistent with this variant causing disease. Therefore, this variant is classified as benign.

Breakthrough Genomics
Classification: Benign. Review status: criteria provided, single submitter. Criteria: ACMG Guidelines, 2015. Collection method: not provided. Allele origin: germline. Inheritance: Autosomal dominant inheritance. Affected: yes.

NM_000435.3(NOTCH3):c.*668G>T

Gene: NOTCH3 (notch receptor 3; minus strand). Cytogenetic location: 19p13.12.
Variant type: single nucleotide variant.
Coding change: c.*668G>T on transcript NM_000435.3 (MANE Select); 668 bases downstream of the stop codon, G replaced by T.
Molecular consequence: 3 prime UTR variant.
Genome position (GRCh38, 1-based): chr19:15,159,994, C>A on the plus strand (G>T on the coding strand, the complement: NOTCH3 is on the minus strand). VCF-style: chr19-15159994-C-A. GRCh37 (hg19) VCF-style: chr19-15270805-C-A.
Identifiers: ClinVar variation 328361 (VCV000328361.6), dbSNP rs1044055, ClinGen allele CA10648351.
Genomic context (GRCh38, chr19:15,159,994, plus strand): 5'-GGGCTGGGGCAGAGGGAGTTGGCAGTGGGCCCTTCCCCAGCAAGGCTATGGAACATGTCC[C>A]ATCTGGAATGCAGTGAAGTGAGGGAGGTGGGGTGGGGAGGAGGCTCCCAACACTCCCCCG-3'